The following is an entry in ClinVar:

NM_004329.3(BMPR1A):c.1225G>T (p.Ala409Ser)

Gene: BMPR1A (bone morphogenetic protein receptor type 1A; plus strand). Cytogenetic location: 10q23.2.
Variant type: single nucleotide variant.
Coding change: c.1225G>T on transcript NM_004329.3 (MANE Select); coding-DNA position 1225, G replaced by T.
Protein change: p.Ala409Ser; replaces alanine 409 with serine.
Molecular consequence: missense variant. On other transcripts: non-coding transcript variant (3).
Genome position (GRCh38, 1-based): chr10:86,921,578, G>T. VCF-style: chr10-86921578-G-T. GRCh37 (hg19) VCF-style: chr10-88681335-G-T.
Other names: c.1300G>T, p.Ala434Ser (NM_001406559.1); c.1273G>T, p.Ala425Ser (NM_001406560.1); c.1225G>T, p.Ala409Ser (NM_001406561.1, NM_001406562.1, NM_001406563.1 and 19 more transcripts); c.1219G>T, p.Ala407Ser (NM_001406583.1); c.1141G>T, p.Ala381Ser (NM_001406584.1, NM_001406585.1, NM_001406586.1 and 2 more transcripts); c.883G>T, p.Ala295Ser (NM_001406589.1); short protein forms A295S, A381S, A407S, A409S, A425S, A434S.
Identifiers: ClinVar variation 3223941 (VCV003223941.1), dbSNP rs1554891324, ClinGen allele CA377462020.

ClinVar aggregate classification (germline): Uncertain significance (1 of 4 stars; one submission).

Conditions:
Hereditary cancer-predisposing syndrome. Also called: Tumor predisposition; Hereditary neoplastic syndrome; Hereditary Cancer Syndrome; Neoplastic Syndromes, Hereditary. Identifiers: Orphanet 140162, MedGen C0027672, MeSH D009386, MONDO:0015356.

Submission:

Ambry Genetics
Classification: Uncertain significance for Hereditary cancer-predisposing syndrome. Last evaluated: 2024-02-29. Review status: criteria provided, single submitter. Criteria: Ambry Variant Classification Scheme 2023. Collection method: clinical testing. Allele origin: germline.
Comment: The p.A409S variant (also known as c.1225G>T), located in coding exon 9 of the BMPR1A gene, results from a G to T substitution at nucleotide position 1225. The alanine at codon 409 is replaced by serine, an amino acid with similar properties. This amino acid position is conserved. In addition, this alteration is predicted to be deleterious by in silico analysis. Based on the available evidence, the clinical significance of this alteration remains unclear.